The following continues an entry in ClinVar:

NM_004360.5(CDH1):c.2474C>T (p.Pro825Leu)

Gene: CDH1. ClinVar aggregate classification (germline): Conflicting classifications of pathogenicity. Uncertain significance (14); Likely benign (2).

Submissions 12 to 18 of 18:

Pittsburgh Clinical Genomics Laboratory, University of Pittsburgh Medical Center
Classification: Uncertain significance for Blepharocheilodontic syndrome 1. Last evaluated: 2022-09-13. Review status: criteria provided, single submitter. Criteria: ACMG Guidelines, 2015. Collection method: clinical testing. Allele origin: germline. Inheritance: Autosomal dominant inheritance. Affected: yes.
Comment: This sequence variant is a single nucleotide substitution (C>T) at coding nucleotide 2474 of the CDH1 gene that results in a proline to leucine amino acid change at residue 825 of cadherin 1, the CDH1-encoded protein. The Pro825 residue falls in the cytoplasmic domain which mediates cadherin 1's interaction with its binding partners necessary for cell-to-cell adhesion (PMID: 22850631). This is a previously reported variant (ClinVar) that has been observed in individuals with breast cancer, cervical cancer, and colorectal cancer (PMID: 25067988, 28961279, 33193653, 32658311). This variant is present in 5 of 282,884 alleles (0.002%) in the gnomAD control population database. Multiple bioinformatic tools predict that this C to T nucleotide substitution will not alter the splicing of this variant. The proline at this position in the protein is strongly conserved across the vertebrates examined. Studies examining the functiol consequence of this variant have not been published, to our knowledge. At this time, there is insufficient evidence to determine if this variant is pathogenic or benign according to the ClinGen guidelines for interpreting CDH1 variants (PMID: 30311375, version 3.1). Therefore, we consider this a variant of uncertain significance. ACMG Criteria: BP4, PS4

Institute of Human Genetics, University of Leipzig Medical Center
Classification: Uncertain significance for Familial cancer of breast. Last evaluated: 2022-08-22. Review status: criteria provided, single submitter. Criteria: ACMG Guidelines, 2015. Collection method: clinical testing. Allele origin: unknown. Affected: yes.
Comment: _x000D_ Criteria applied: PM2_SUP, PP3

European Reference Network on Genetic Tumour Risk Syndromes (ERN-GENTURIS), i3s - Instituto de Investigação e Inovação em Saúde, University of Porto
Classification: Uncertain significance for Hereditary diffuse gastric adenocarcinoma. Last evaluated: 2022-08-01. Review status: criteria provided, single submitter. Criteria: Lee et al. (Hum Mutat. 2018). Collection method: clinical testing. Allele origin: germline. Inheritance: Autosomal dominant inheritance. Affected: no. Study: ERN GENTURIS.
Comment: BS2_Supporting (PMID: 30311375)

Ambry Genetics
Classification: Likely benign for Hereditary cancer-predisposing syndrome. Last evaluated: 2021-11-15. Review status: criteria provided, single submitter. Criteria: Ambry Variant Classification Scheme 2023. Collection method: clinical testing. Allele origin: germline.

Fulgent Genetics
Classification: Uncertain significance for Familial cancer of breast; Blepharocheilodontic syndrome 1; Hereditary diffuse gastric adenocarcinoma; Ovarian cancer; Familial prostate cancer; Endometrial carcinoma. Last evaluated: 2018-10-31. Review status: criteria provided, single submitter. Criteria: ACMG Guidelines, 2015. Collection method: clinical testing. Allele origin: unknown.

Zotz-Klimas Genetics Lab, MVZ Zotz Klimas
Classification: Uncertain significance for Familial cancer of breast. Last evaluated: 2023-11-02. Review status: no assertion criteria provided. Collection method: clinical testing. Allele origin: germline. Affected: yes. Not counted in ClinVar's aggregate classification.

Counsyl
Classification: Uncertain significance for Hereditary diffuse gastric adenocarcinoma. Last evaluated: 2016-08-22. Review status: no assertion criteria provided. Collection method: clinical testing. Allele origin: unknown. Not counted in ClinVar's aggregate classification.

Literature cited by the submitters: PubMed 25067988 (cited by 8 submitters); PubMed 36436516 (cited by 4 submitters); PubMed 33193653 (cited by 6 submitters); PubMed 28961279 (cited by 5 submitters); PubMed 32658311 (cited by 3 submitters); PubMed 33471991 (cited by Quest Diagnostics Nichols Institute San Juan Capistrano); PubMed 22850631 (cited by Pittsburgh Clinical Genomics Laboratory, University of Pittsburgh Medical Center); PubMed 30311375 (cited by Pittsburgh Clinical Genomics Laboratory, University of Pittsburgh Medical Center).